The following is an entry in ClinVar:

NM_000535.7(PMS2):c.1687C>G (p.Arg563Gly)

Gene: PMS2 (PMS1 homolog 2, mismatch repair system component; minus strand). Cytogenetic location: 7p22.1.
Variant type: single nucleotide variant.
Coding change: c.1687C>G on transcript NM_000535.7 (MANE Select); coding-DNA position 1687, C replaced by G.
Protein change: p.Arg563Gly; replaces arginine 563 with glycine.
Molecular consequence: missense variant. On other transcripts: non-coding transcript variant (1).
Genome position (GRCh38, 1-based): chr7:5,987,078, G>C on the plus strand (C>G on the coding strand, the complement: PMS2 is on the minus strand). VCF-style: chr7-5987078-G-C. GRCh37 (hg19) VCF-style: chr7-6026709-G-C.
Other names: c.1282C>G, p.Arg428Gly (NM_001322003.2, NM_001322004.2, NM_001322005.2 and 1 more transcripts); c.1531C>G, p.Arg511Gly (NM_001322006.2); c.1369C>G, p.Arg457Gly (NM_001322007.2, NM_001322008.2); c.1126C>G, p.Arg376Gly (NM_001322010.2); c.754C>G, p.Arg252Gly (NM_001322011.2, NM_001322012.2); c.1114C>G, p.Arg372Gly (NM_001322013.2); c.1687C>G, p.Arg563Gly (NM_001322014.2); c.1378C>G, p.Arg460Gly (NM_001322015.2); short protein forms R457G, R563G, R372G, R376G, R252G, R428G, R460G, R511G.
Identifiers: ClinVar variation 1522133 (VCV001522133.8), dbSNP rs587778618, ClinGen allele CA366741198.

ClinVar aggregate classification (germline): Uncertain significance (1 of 4 stars; one submission).

Conditions:
Hereditary nonpolyposis colorectal neoplasms. Identifiers: MedGen C0009405, MeSH D003123.

Submission:

Labcorp Genetics (formerly Invitae), Labcorp
Classification: Uncertain significance for Hereditary nonpolyposis colorectal neoplasms. Last evaluated: 2021-04-02. Review status: criteria provided, single submitter. Criteria: Invitae Variant Classification Sherloc (09022015). Collection method: clinical testing. Allele origin: germline.
Comment: In summary, the available evidence is currently insufficient to determine the role of this variant in disease. Therefore, it has been classified as a Variant of Uncertain Significance. Advanced modeling of protein sequence and biophysical properties (such as structural, functional, and spatial information, amino acid conservation, physicochemical variation, residue mobility, and thermodynamic stability) performed at Invitae indicates that this missense variant is not expected to disrupt PMS2 protein function. This variant has not been reported in the literature in individuals with PMS2-related conditions. This variant is not present in population databases (ExAC no frequency). This sequence change replaces arginine with glycine at codon 563 of the PMS2 protein (p.Arg563Gly). The arginine residue is weakly conserved and there is a moderate physicochemical difference between arginine and glycine.